The following is an entry in ClinVar:

NM_002566.5(P2RY11):c.675C>T (p.Tyr225=)

Genes: PPAN-P2RY11 (PPAN-P2RY11 readthrough; plus strand), P2RY11 (purinergic receptor P2Y11; plus strand). Cytogenetic location: 19p13.2.
Variant type: single nucleotide variant.
Coding change: c.675C>T on transcript NM_002566.5 (MANE Select); coding-DNA position 675, C replaced by T.
Protein change: p.Tyr225=; no amino-acid change (tyrosine 225 retained).
Molecular consequence: synonymous variant. On other transcripts: 3 prime UTR variant (1).
Genome position (GRCh38, 1-based): chr19:10,114,288, C>T. VCF-style: chr19-10114288-C-T. GRCh37 (hg19) VCF-style: chr19-10224964-C-T.
Other names: c.1935C>T, p.Tyr645= (NM_001040664.3); c.*434C>T (NM_001198690.2).
Identifiers: ClinVar variation 3033213 (VCV003033213.2), dbSNP rs774978141, ClinGen allele CA9186520.

ClinVar aggregate classification (germline): Likely benign (0 of 4 stars; one submission).

Conditions:
P2RY11-related disorder. Also called: P2RY11-related condition.

Allele frequency attached by ClinVar (database versions not stated): gnomAD 0.00010; gnomAD exomes 0.00010; TOPMed 0.00010; ExAC 0.00012.
gnomAD v4.1: 158 of 1,597,786 alleles (0.0099%); highest among the groups gnomAD compares: East Asian, 0.18%; no homozygotes.

Submission:

PreventionGenetics, part of Exact Sciences
Classification: Likely benign for P2RY11-related condition. Last evaluated: 2019-06-12. Review status: no assertion criteria provided. Collection method: clinical testing. Allele origin: germline.
Comment: This variant is classified as likely benign based on ACMG/AMP sequence variant interpretation guidelines (Richards et al. 2015 PMID: 25741868, with internal and published modifications).